The following is an entry in ClinVar:

ClinVar aggregate classification (germline): Likely benign. Review status: criteria provided, multiple submitters, no conflicts (2 of 4 stars). 5 submissions from 5 submitters: Likely benign (4). 1 of the submissions does not count toward it. Last evaluated 2026-08-01.

Conditions:
UCHL1-related disorder. Also called: UCHL1-related condition.
Parkinson disease 5, autosomal dominant, susceptibility to (PARK5). Also called: Parkinson disease 5, susceptibility to. Identifiers: Orphanet 2828, MedGen C3150899, MONDO:0013340, OMIM 613643.

Allele frequency attached by ClinVar (database versions not stated): ESP Exome Variant Server 0.00015; 1000 Genomes Project 30x 0.00016; 1000 Genomes Project 0.00020; ExAC 0.00023; TOPMed 0.00033; gnomAD 0.00035 and 0.00036; gnomAD exomes 0.00052.
gnomAD v4.1: 805 of 1,614,058 alleles (0.05%); highest among the groups gnomAD compares: Non-Finnish European, 0.061%; 2 homozygotes.

Submissions (5):

CeGaT Center for Human Genetics Tuebingen
Classification: Likely benign. Last evaluated: 2026-08-01. Review status: criteria provided, single submitter. Criteria: CeGaT Center For Human Genetics Tuebingen Variant Classification Criteria Version 2. Collection method: clinical testing. Allele origin: germline. Affected: yes. Observed: 2 variant alleles.
Comment: UCHL1: BP4, BP7

Labcorp Genetics (formerly Invitae), Labcorp
Classification: Likely benign. Last evaluated: 2026-01-09. Review status: criteria provided, single submitter. Criteria: Invitae Variant Classification Sherloc (09022015). Collection method: clinical testing. Allele origin: germline.

Blueprint Genetics
Classification: Likely benign. Last evaluated: 2024-11-19. Review status: criteria provided, single submitter. Criteria: ACMG Guidelines, 2015. Collection method: clinical testing. Allele origin: germline.

Illumina Laboratory Services, Illumina
Classification: Likely benign for Parkinson disease 5, autosomal dominant, susceptibility to. Last evaluated: 2018-01-12. Review status: criteria provided, single submitter. Criteria: ICSL Variant Classification Criteria 13 December 2019. Collection method: clinical testing. Allele origin: germline.
Comment: This variant was observed in the ICSL laboratory as part of a predisposition screen in an ostensibly healthy population. It had not been previously curated by ICSL or reported in the Human Gene Mutation Database (HGMD: prior to June 1st, 2018), and was therefore a candidate for classification through an automated scoring system. Utilizing variant allele frequency, disease prevalence and penetrance estimates, and inheritance mode, an automated score was calculated to assess if this variant is too frequent to cause the disease. Based on the score and internal cut-off values, a variant classified as likely benign is not then subjected to further curation. The score for this variant resulted in a classification of likely benign for this disease.

PreventionGenetics, part of Exact Sciences
Classification: Likely benign for UCHL1-related condition. Last evaluated: 2024-06-04. Review status: no assertion criteria provided. Collection method: clinical testing. Allele origin: germline. Not counted in ClinVar's aggregate classification.
Comment: This variant is classified as likely benign based on ACMG/AMP sequence variant interpretation guidelines (Richards et al. 2015 PMID: 25741868, with internal and published modifications).

NM_004181.5(UCHL1):c.513C>T (p.His171=)

Gene: UCHL1 (ubiquitin C-terminal hydrolase L1; plus strand). Cytogenetic location: 4p13.
Variant type: single nucleotide variant.
Coding change: c.513C>T on transcript NM_004181.5 (MANE Select); coding-DNA position 513, C replaced by T.
Protein change: p.His171=; no amino-acid change (histidine 171 retained).
Molecular consequence: synonymous variant.
Genome position (GRCh38, 1-based): chr4:41,263,278, C>T. VCF-style: chr4-41263278-C-T. GRCh37 (hg19) VCF-style: chr4-41265295-C-T.
Identifiers: ClinVar variation 348772 (VCV000348772.32), dbSNP rs145093131, ClinGen allele CA2900055.
Genomic context (GRCh38, chr4:41,263,278, plus strand): 5'-TCTTTAGGTAGATGACAAGGTGAATTTCCATTTTATTCTGTTTAACAACGTGGATGGCCA[C>T]CTCTATGAACTTGGTATGTTTTACTCCATTTTTGGAACCCAGTGTAGTTTCATGTGTTCT-3'
Protein context (NP_004172.2, residues 161-181): HFILFNNVDG[His171=]LYELDGRMPF